The following is an entry in ClinVar:

ClinVar aggregate classification (germline): Pathogenic (1 of 4 stars; one submission).

Submission:

GeneDx
Classification: Pathogenic. Last evaluated: 2023-07-17. Review status: criteria provided, single submitter. Criteria: GeneDx Variant Classification Process June 2021. Collection method: clinical testing. Allele origin: germline. Affected: yes.
Comment: Frameshift variant predicted to result in protein truncation or nonsense mediated decay in a gene for which loss of function is a known mechanism of disease; Not observed at significant frequency in large population cohorts (gnomAD); Has not been previously published as pathogenic or benign to our knowledge

NM_001371279.1(REEP1):c.50_53dup (p.Pro19fs)

Gene: REEP1 (receptor accessory protein 1; minus strand). Cytogenetic location: 2p11.2.
Variant type: Duplication.
Coding change: c.50_53dup on transcript NM_001371279.1 (MANE Select); coding-DNA positions 50 to 53, 4 bases duplicated (TTTA; older notation c.50_53dupTTTA).
Protein change: p.Pro19fs; shifts the reading frame from proline 19.
Molecular consequence: frameshift variant. On other transcripts: intron variant (1).
Genome position (GRCh38, 1-based): chr2:86,282,222-86,282,225, TAAA duplicated on the plus strand (TTTA on the coding strand, the reverse complement: REEP1 is on the minus strand). VCF-style (leftmost placement, unchanged base first): chr2-86282221-G-GTAAA. GRCh37 (hg19) VCF-style: chr2-86509344-G-GTAAA.
Other names: c.71_74dup, p.Pro26fs (NM_001164730.2); c.50_53dup, p.Pro19fs (NM_001164732.2, NM_001371280.1, NM_001410855.1 and 2 more transcripts); c.25-18184_25-18181dup (NM_001164731.2); short protein forms P19fs, P26fs.
Identifiers: ClinVar variation 3361000 (VCV003361000.1).
Genomic context (GRCh38, chr2:86,282,221, plus strand): 5'-GCTACTTACATATTCCTTAATGTCCTTTGATTTCACAGCCTTGTAGGAATAATACGCAGG[G>GTAAA]TAAAGGGTGCCAAATATAAGCCTGGAGGGAAGAGAGACAAAAATAAATACGATTTTTCAT-3'